The following is an entry in ClinVar:

NM_024675.4(PALB2):c.2749-18C>T

Gene: PALB2 (partner and localizer of BRCA2; minus strand). Cytogenetic location: 16p12.2.
Variant type: single nucleotide variant.
Coding change: c.2749-18C>T on transcript NM_024675.4 (MANE Select); 18 bases into the intron before coding-DNA position 2749, C replaced by T.
Molecular consequence: intron variant.
Genome position (GRCh38, 1-based): chr16:23,624,112, G>A on the plus strand (C>T on the coding strand, the complement: PALB2 is on the minus strand). VCF-style: chr16-23624112-G-A. GRCh37 (hg19) VCF-style: chr16-23635433-G-A.
Identifiers: ClinVar variation 126678 (VCV000126678.42), dbSNP rs182194007, ClinGen allele CA269568.

ClinVar aggregate classification (germline): Conflicting classifications of pathogenicity. Review status: criteria provided, conflicting classifications (1 of 4 stars). 14 submissions from 14 submitters: Uncertain significance (1); Benign (3); Likely benign (7). 3 of the submissions do not count toward it. Last evaluated 2026-02-04.

Conditions:
Breast and/or ovarian cancer. Identifiers: MedGen CN221562.
Hereditary cancer-predisposing syndrome. Also called: Hereditary neoplastic syndrome; Tumor predisposition; Neoplastic Syndromes, Hereditary; Hereditary Cancer Syndrome. Identifiers: Orphanet 140162, MedGen C0027672, MeSH D009386, MONDO:0015356.
Hereditary breast ovarian cancer syndrome. Also called: Hereditary breast and ovarian cancer syndrome; Breast and ovarian cancer; Hereditary breast and ovarian cancer syndrome (HBOC); BRCA1- and BRCA2-Associated Hereditary Breast and Ovarian Cancer; Hereditary breast and ovarian cancer; Hereditary breast and/or ovarian cancer syndrome. Identifiers: Orphanet 145, MedGen C0677776, MeSH D061325, MONDO:0003582. Disease mechanism: loss of function.
Familial cancer of breast. Also called: hereditary breast carcinoma; Hereditary breast cancer; BREAST CANCER, FAMILIAL. Identifiers: Orphanet 227535, MedGen C0346153, MONDO:0016419, OMIM 114480. Disease mechanism: loss of function.

Allele frequency attached by ClinVar (database versions not stated): 1000 Genomes Project 30x 0.00016; 1000 Genomes Project 0.00020; ExAC 0.00025; gnomAD exomes 0.00030 and 0.00063; TOPMed 0.00047; gnomAD 0.00053 and 0.00055; ESP Exome Variant Server 0.00054.
gnomAD v4.1: 946 of 1,545,328 alleles (0.061%); highest among the groups gnomAD compares: Non-Finnish European, 0.081%; 1 homozygote.

Submissions (14):

Labcorp Genetics (formerly Invitae), Labcorp
Classification: Benign for Familial cancer of breast. Last evaluated: 2026-02-04. Review status: criteria provided, single submitter. Criteria: Invitae Variant Classification Sherloc (09022015). Collection method: clinical testing. Allele origin: germline.

Center for Genomic Medicine, Rigshospitalet, Copenhagen University Hospital
Classification: Likely benign. Last evaluated: 2025-03-04. Review status: criteria provided, single submitter. Criteria: ACMG Guidelines, 2015. Collection method: clinical testing. Allele origin: germline.

Blueprint Genetics
Classification: Likely benign. Last evaluated: 2024-09-24. Review status: criteria provided, single submitter. Criteria: ACMG Guidelines, 2015. Collection method: clinical testing. Allele origin: germline.

German Consortium for Hereditary Breast and Ovarian Cancer, University Hospital Cologne
Classification: Likely benign for Hereditary breast ovarian cancer syndrome. Last evaluated: 2024-08-13. Review status: criteria provided, single submitter. Criteria: ClinGen PALB2 V1.1.0. Collection method: curation. Allele origin: germline.
Comment: According to the ClinGen ACMG PALB2 v1.1.0 criteria we chose these criteria: BP4 (supporting benign): SpliceAI < 0,1, BS1 (strong benign): MAF 0,02989% in gnomAD V2,0,05% in gnomAD V3

CHEO Genetics Diagnostic Laboratory, Children's Hospital of Eastern Ontario
Classification: Likely benign for Breast and/or ovarian cancer. Last evaluated: 2023-06-12. Review status: criteria provided, single submitter. Criteria: ACMG Guidelines, 2015. Collection method: clinical testing. Allele origin: germline.

Myriad Genetics, Inc.
Classification: Benign for Familial cancer of breast. Last evaluated: 2023-03-31. Review status: criteria provided, single submitter. Criteria: Myriad Autosomal Dominant, Autosomal Recessive and X-Linked Classification Criteria (2023). Collection method: clinical testing. Allele origin: unknown.
Comment: This variant is considered benign. This variant is intronic and is not expected to impact mRNA splicing. This variant is strongly associated with less severe personal and family histories of cancer, typical for individuals without pathogenic variants in this gene [PMID: 25085752].

Institute for Clinical Genetics, University Hospital TU Dresden, University Hospital TU Dresden
Classification: Uncertain significance. Last evaluated: 2021-11-03. Review status: criteria provided, single submitter. Criteria: ACMG Guidelines, 2015. Collection method: clinical testing. Allele origin: germline.

Ambry Genetics
Classification: Likely benign for Hereditary cancer-predisposing syndrome. Last evaluated: 2019-10-14. Review status: criteria provided, single submitter. Criteria: Ambry Variant Classification Scheme 2023. Collection method: clinical testing. Allele origin: germline.

PreventionGenetics, part of Exact Sciences
Classification: Likely benign. Last evaluated: 2016-11-02. Review status: criteria provided, single submitter. Criteria: ACMG Guidelines, 2015. Collection method: clinical testing. Allele origin: germline.

Color Diagnostics, LLC DBA Color Health
Classification: Likely benign for Hereditary cancer-predisposing syndrome. Last evaluated: 2015-04-22. Review status: criteria provided, single submitter. Criteria: ACMG Guidelines, 2015. Collection method: clinical testing. Allele origin: germline.

GeneDx
Classification: Benign. Last evaluated: 2014-01-20. Review status: criteria provided, single submitter. Criteria: GeneDx Variant Classification (06012015). Collection method: clinical testing. Allele origin: germline. Affected: yes.
Comment: This variant is considered likely benign or benign based on one or more of the following criteria: it is a conservative change, it occurs at a poorly conserved position in the protein, it is predicted to be benign by multiple in silico algorithms, and/or has population frequency not consistent with disease.

Leiden Open Variation Database
Classification: Likely benign. Last evaluated: 2019-05-13. Review status: no assertion criteria provided. Collection method: curation. Allele origin: germline. Affected: yes. Not counted in ClinVar's aggregate classification.
Comment: Curators: Marc Tischkowitz, Arleen D. Auerbach. Submitter to LOVD: Marc Tischkowitz.

Counsyl
Classification: Likely benign for Familial cancer of breast. Last evaluated: 2018-02-01. Review status: no assertion criteria provided. Collection method: clinical testing. Allele origin: unknown. Not counted in ClinVar's aggregate classification.

University of Washington Department of Laboratory Medicine, University of Washington
Classification: Likely benign for Hereditary cancer-predisposing syndrome. Last evaluated: 2015-12-01. Review status: no assertion criteria provided. Collection method: clinical testing. Allele origin: germline. Affected: yes. Not counted in ClinVar's aggregate classification.

Literature cited by the submitters: PubMed 25085752 (cited by Myriad Genetics, Inc.); PubMed 22241545 (cited by Ambry Genetics and Leiden Open Variation Database); PubMed 25356972 (cited by Leiden Open Variation Database).